The following is an entry in ClinVar:

ClinVar aggregate classification (germline): Pathogenic (1 of 4 stars; one submission).

Conditions:
VPS13A-related neurodegenerative disease. Also called: ACANTHOCYTOSIS WITH NEUROLOGIC DISORDER; LEVINE-CRITCHLEY SYNDROME; Choreoacanthocytosis; Chorea-acanthocytosis; Choreaacanthocytosis; VPS13A Disease. Identifiers: Orphanet 2388, MedGen C0393576, MONDO:0008695, OMIM 200150.

Submission:

Myriad Genetics, Inc.
Classification: Pathogenic for VPS13A-related neurodegenerative disease. Last evaluated: 2025-01-31. Review status: criteria provided, single submitter. Criteria: Myriad Autosomal Dominant, Autosomal Recessive and X-Linked Classification Criteria (2023). Collection method: clinical testing. Allele origin: unknown.
Comment: NM_033305.2(VPS13A):c.2363T>A(L788*) is expected to be pathogenic in the context of VPS13A disease. This variant is predicted to lead to an abnormal or absent protein product due to the creation of a premature termination codon in VPS13A, a gene where loss-of-function variants are known to be pathogenic. Please note: this variant was assessed in the context of healthy population screening.

NM_033305.3(VPS13A):c.2363T>A (p.Leu788Ter)

Gene: VPS13A (vacuolar protein sorting 13 homolog A; plus strand). Cytogenetic location: 9q21.2.
Variant type: single nucleotide variant.
Coding change: c.2363T>A on transcript NM_033305.3 (MANE Select); coding-DNA position 2363, T replaced by A.
Protein change: p.Leu788Ter; replaces leucine 788 with a stop codon.
Molecular consequence: nonsense.
Genome position (GRCh38, 1-based): chr9:77,260,160, T>A. VCF-style: chr9-77260160-T-A. GRCh37 (hg19) VCF-style: chr9-79875076-T-A.
Other names: c.2363T>A, p.Leu788Ter (NM_001018037.2, NM_001018038.3, NM_015186.4); short protein forms L788*.
Identifiers: ClinVar variation 5014044 (VCV005014044.1).
Genomic context (GRCh38, chr9:77,260,160, plus strand): 5'-GAAAGTTACCTCTTATTTCTTTACGAATCTCAGATAAAAAACTACAAGGGATTATGGAAT[T>A]GATTGAAAGCATTCCAAAACCTGAACCAGTAACTGAAGTATCTGCCCCTGTCAAATCATT-3'